The following is an entry in ClinVar:

ClinVar aggregate classification (germline): Conflicting classifications of pathogenicity. Review status: criteria provided, conflicting classifications (1 of 4 stars). 4 submissions from 4 submitters: Likely pathogenic (1); Uncertain significance (3). Last evaluated 2026-02-24.

Conditions:
Inborn genetic diseases. Identifiers: MedGen C0950123, MeSH D030342.
Mosaic variegated aneuploidy syndrome 1 (MVA1). Also called: Warburton-Anyane-Yeboa syndrome. Identifiers: Orphanet 1052, MedGen C1850343, MONDO:0009759, OMIM 257300.

Allele frequency attached by ClinVar (database versions not stated): gnomAD 0.00018 and 0.00017; TOPMed 0.00019; ExAC 0.00002; gnomAD exomes 0.00002; ESP Exome Variant Server 0.00008.
gnomAD v4.1: 48 of 1,614,080 alleles (0.003%); highest among the groups gnomAD compares: African/African-American, 0.064%; no homozygotes.

Submissions (4):

GeneDx
Classification: Likely pathogenic. Last evaluated: 2026-02-24. Review status: criteria provided, single submitter. Criteria: GeneDx Variant Classification Process June 2021. Collection method: clinical testing. Allele origin: germline. Affected: yes.
Comment: Intronic +5 splice site variant in a gene for which loss of function is a known mechanism of disease, and both splice predictors and evolutionary conservation support a deleterious effect, although in the absence of functional evidence the actual effect of this sequence change is unknown.; Has not been previously published as pathogenic or benign to our knowledge

Labcorp Genetics (formerly Invitae), Labcorp
Classification: Uncertain significance for Mosaic variegated aneuploidy syndrome 1. Last evaluated: 2025-09-30. Review status: criteria provided, single submitter. Criteria: Invitae Variant Classification Sherloc (09022015). Collection method: clinical testing. Allele origin: germline.
Comment: This sequence change falls in intron 2 of the BUB1B gene. It does not directly change the encoded amino acid sequence of the BUB1B protein. It affects a nucleotide within the consensus splice site. This variant is present in population databases (rs368869250, gnomAD 0.05%). This variant has not been reported in the literature in individuals affected with BUB1B-related conditions. ClinVar contains an entry for this variant (Variation ID: 533913). Variants that disrupt the consensus splice site are a relatively common cause of aberrant splicing (PMID: 17576681, 9536098). Algorithms developed to predict the effect of sequence changes on RNA splicing suggest that this variant may disrupt the consensus splice site. In summary, the available evidence is currently insufficient to determine the role of this variant in disease. Therefore, it has been classified as a Variant of Uncertain Significance.

St. Jude Molecular Pathology, St. Jude Children's Research Hospital
Classification: Uncertain significance for Mosaic variegated aneuploidy syndrome 1. Last evaluated: 2024-09-25. Review status: criteria provided, single submitter. Criteria: St. Jude Assertion Criteria 2020. Collection method: clinical testing. Allele origin: germline.
Comment: The BUB1B c.179+5G>A intronic change results in a G to A substitution at the +5 position of intron 2 of the BUB1B gene. Algorithms that predict the impact of sequence changes on splicing indicate that this change may impact splicing, but to our knowledge these predictions have not been confirmed by RNA studies. This variant has a maximum subpopulation frequency of 0.04% in gnomAD v2.1.1. To our knowledge, this variant has not been reported in individuals with mosaic variegated aneuploidy syndrome. In summary, the evidence currently available is insufficient to determine the role of this variant in mosaic variegated aneuploidy syndrome. It has therefore been classified as of uncertain significance.

Ambry Genetics
Classification: Uncertain significance for Inborn genetic diseases. Last evaluated: 2022-05-23. Review status: criteria provided, single submitter. Criteria: Ambry Variant Classification Scheme 2023. Collection method: clinical testing. Allele origin: germline.
Comment: The c.179+5G>A intronic alteration consists of a G to A substitution nucleotides after coding exon 2 in the BUB1B gene. Based on insufficient or conflicting evidence, the clinical significance of this alteration remains unclear.

Literature cited by the submitters: PubMed 17576681 (cited by Labcorp Genetics (formerly Invitae), Labcorp); PubMed 9536098 (cited by Labcorp Genetics (formerly Invitae), Labcorp).

NM_001211.6(BUB1B):c.179+5G>A

Gene: BUB1B (BUB1 mitotic checkpoint serine/threonine kinase B; plus strand). Cytogenetic location: 15q15.1.
Variant type: single nucleotide variant.
Coding change: c.179+5G>A on transcript NM_001211.6 (MANE Select); 5 bases into the intron after coding-DNA position 179, G replaced by A.
Molecular consequence: intron variant.
Genome position (GRCh38, 1-based): chr15:40,165,201, G>A. VCF-style: chr15-40165201-G-A. GRCh37 (hg19) VCF-style: chr15-40457402-G-A.
Identifiers: ClinVar variation 533913 (VCV000533913.15), dbSNP rs368869250, ClinGen allele CA7475364.